The following is an entry in ClinVar:

ClinVar aggregate classification (germline): Likely benign. Review status: criteria provided, multiple submitters, no conflicts (2 of 4 stars). 2 submissions from 2 submitters: Likely benign (2). Last evaluated 2026-03-01.

Conditions:
RYR1-related disorder. Also called: RYR1-related disorders; RYR1-related condition. Identifiers: MedGen CN239331.

Submissions (2):

CeGaT Center for Human Genetics Tuebingen
Classification: Likely benign. Last evaluated: 2026-03-01. Review status: criteria provided, single submitter. Criteria: CeGaT Center For Human Genetics Tuebingen Variant Classification Criteria Version 2. Collection method: clinical testing. Allele origin: germline. Affected: yes. Observed: 1 variant allele.
Comment: RYR1: PM2:Supporting, BP4, BP7

Labcorp Genetics (formerly Invitae), Labcorp
Classification: Likely benign for RYR1-related disorder. Last evaluated: 2022-02-08. Review status: criteria provided, single submitter. Criteria: Invitae Variant Classification Sherloc (09022015). Collection method: clinical testing. Allele origin: germline.

NM_000540.3(RYR1):c.12474C>T (p.Arg4158=)

Gene: RYR1 (ryanodine receptor 1; plus strand). Cytogenetic location: 19q13.2.
Variant type: single nucleotide variant.
Coding change: c.12474C>T on transcript NM_000540.3 (MANE Select); coding-DNA position 12474, C replaced by T.
Protein change: p.Arg4158=; no amino-acid change (arginine 4158 retained).
Molecular consequence: synonymous variant.
Genome position (GRCh38, 1-based): chr19:38,561,304, C>T. VCF-style: chr19-38561304-C-T. GRCh37 (hg19) VCF-style: chr19-39051944-C-T.
Other names: c.12459C>T, p.Arg4153= (NM_001042723.2).
Identifiers: ClinVar variation 2094533 (VCV002094533.8), dbSNP rs1599625732, ClinGen allele CA507355263.
Genomic context (GRCh38, chr19:38,561,304, plus strand): 5'-CGGCTTCAACGTGGCGGTGCTGCTGACCAACCTGTCGGAGCATGTGCCGCATGACCCTCG[C>T]CTGCACAACTTCCTGGAGCTGGCCGAGAGCATCCTTGAGTACTTCCGCCCCTACCTGGGC-3'
Protein context (NP_000531.2, residues 4148-4168): NLSEHVPHDP[Arg4158=]LHNFLELAES